The following is an entry in ClinVar:

NM_001367561.1(DOCK7):c.2678G>A (p.Arg893His)

Gene: DOCK7 (dedicator of cytokinesis 7; minus strand). Cytogenetic location: 1p31.3.
Variant type: single nucleotide variant.
Coding change: c.2678G>A on transcript NM_001367561.1 (MANE Select); coding-DNA position 2678, G replaced by A.
Protein change: p.Arg893His; replaces arginine 893 with histidine.
Molecular consequence: missense variant.
Genome position (GRCh38, 1-based): chr1:62,552,820, C>T on the plus strand (G>A on the coding strand, the complement: DOCK7 is on the minus strand). VCF-style: chr1-62552820-C-T. GRCh37 (hg19) VCF-style: chr1-63018491-C-T.
Other names: c.2678G>A, p.Arg893His (NM_001271999.2, NM_001272000.2, NM_001272001.2 and 2 more transcripts); short protein forms R893H.
Identifiers: ClinVar variation 581586 (VCV000581586.11), dbSNP rs1557704600, ClinGen allele CA340620405.
Genomic context (GRCh38, chr1:62,552,820, plus strand): 5'-TCATCTGGTGACGTGGGAGTCCCAGATATATCTGGATTGCTATTACTAAGGCTTCGAGAA[C>T]GATTTAAATTAAGGCTTGCAGGTCTCACCGCAGATCTAGCCATTGTGGCATAATGCACTG-3'
Protein context (NP_001354490.1, residues 883-903): AVRPASLNLN[Arg893His]SRSLSNSNPD

ClinVar aggregate classification (germline): Uncertain significance. Review status: criteria provided, multiple submitters, no conflicts (2 of 4 stars). 2 submissions from 2 submitters: Uncertain significance (2). Last evaluated 2024-11-22.

Conditions:
Developmental and epileptic encephalopathy, 23 (DEE23). Also called: Epileptic encephalopathy, early infantile, 23. Identifiers: Orphanet 411986, MedGen C4014492, MONDO:0014371, OMIM 615859.

Allele frequency attached by ClinVar (database versions not stated): gnomAD 0.00001; gnomAD exomes 0.00001.
gnomAD v4.1: 20 of 1,613,650 alleles (0.0012%); highest among the groups gnomAD compares: African/African-American, 0.004%; no homozygotes.

Submissions (2):

Blueprint Genetics
Classification: Uncertain significance. Last evaluated: 2024-11-22. Review status: criteria provided, single submitter. Criteria: ACMG Guidelines, 2015. Collection method: clinical testing. Allele origin: germline.

Labcorp Genetics (formerly Invitae), Labcorp
Classification: Uncertain significance for Developmental and epileptic encephalopathy, 23. Last evaluated: 2022-07-26. Review status: criteria provided, single submitter. Criteria: Invitae Variant Classification Sherloc (09022015). Collection method: clinical testing. Allele origin: germline.
Comment: This sequence change replaces arginine, which is basic and polar, with histidine, which is basic and polar, at codon 893 of the DOCK7 protein (p.Arg893His). This variant is not present in population databases (gnomAD no frequency). This missense change has been observed in individual(s) with clinical features of early infantile epileptic encephalopathy (Invitae). ClinVar contains an entry for this variant (Variation ID: 581586). Algorithms developed to predict the effect of missense changes on protein structure and function (SIFT, PolyPhen-2, Align-GVGD) all suggest that this variant is likely to be tolerated. In summary, the available evidence is currently insufficient to determine the role of this variant in disease. Therefore, it has been classified as a Variant of Uncertain Significance.